The following is an entry in ClinVar:

NM_000258.3(MYL3):c.81T>C (p.Pro27=)

Gene: MYL3 (myosin light chain 3; minus strand). Cytogenetic location: 3p21.31.
Variant type: single nucleotide variant.
Coding change: c.81T>C on transcript NM_000258.3 (MANE Select); coding-DNA position 81, T replaced by C.
Protein change: p.Pro27=; no amino-acid change (proline 27 retained).
Molecular consequence: synonymous variant.
Genome position (GRCh38, 1-based): chr3:46,863,310, A>G on the plus strand (T>C on the coding strand, the complement: MYL3 is on the minus strand). VCF-style: chr3-46863310-A-G. GRCh37 (hg19) VCF-style: chr3-46904800-A-G.
Other names: p.Pro27=.
Identifiers: ClinVar variation 43130 (VCV000043130.77), dbSNP rs147584015, ClinGen allele CA014094.

ClinVar aggregate classification (germline): Conflicting classifications of pathogenicity. Review status: criteria provided, conflicting classifications (1 of 4 stars). 18 submissions from 18 submitters: Uncertain significance (1); Benign (7); Likely benign (7). 3 of the submissions do not count toward it. Last evaluated 2026-06-05.

Conditions:
MYL3-related disorder. Also called: MYL3-related condition.
Cardiovascular phenotype. Identifiers: MedGen CN230736.
Cardiomyopathy (CMYO). Also called: Cardiomyopathies. Identifiers: Orphanet 167848, MedGen C0878544, MONDO:0004994, HP:0001638. Inheritance: Various modes of inheritance.
Hypertrophic cardiomyopathy 8. Also called: MYL3-Related Familial Hypertrophic Cardiomyopathy; CARDIOMYOPATHY, HYPERTROPHIC, MID-LEFT VENTRICULAR CHAMBER TYPE, 1. Identifiers: MedGen C1837471, MONDO:0012111, OMIM 608751.
Hypertrophic cardiomyopathy. Also called: HYPERTROPHIC MYOCARDIOPATHY. Identifiers: Orphanet 217569, MedGen C0007194, MeSH D002312, MONDO:0005045, HP:0001639.

Allele frequency attached by ClinVar (database versions not stated): gnomAD exomes 0.00019 and 0.00037; ExAC 0.00037; gnomAD 0.00125 and 0.00133; 1000 Genomes Project 0.00140; 1000 Genomes Project 30x 0.00141; ESP Exome Variant Server 0.00146; TOPMed 0.00155.
gnomAD v4.1: 466 of 1,614,056 alleles (0.029%); highest among the groups gnomAD compares: African/African-American, 0.55%; 2 homozygotes.

Submissions (18):

PreventionGenetics, part of Exact Sciences
Classification: Likely benign for MYL3-related condition. Last evaluated: 2026-06-05. Review status: criteria provided, single submitter. Criteria: ACMG Guidelines, 2015. Collection method: clinical testing. Allele origin: germline.
Comment: This variant is classified as likely benign based on ACMG/AMP sequence variant interpretation guidelines (Richards et al. 2015 PMID: 25741868, with internal and published modifications).

Labcorp Genetics (formerly Invitae), Labcorp
Classification: Benign for Hypertrophic cardiomyopathy. Last evaluated: 2026-02-03. Review status: criteria provided, single submitter. Criteria: Invitae Variant Classification Sherloc (09022015). Collection method: clinical testing. Allele origin: germline.

Mayo Clinic Laboratories, Mayo Clinic
Classification: Likely benign. Last evaluated: 2025-05-10. Review status: criteria provided, single submitter. Criteria: ACMG Guidelines, 2015. Collection method: clinical testing. Allele origin: germline. Observed: 2 variant alleles.
Comment: BS1, BP4, BP7

Molecular Diagnostic Laboratory for Inherited Cardiovascular Disease, Montreal Heart Institute
Classification: Likely benign. Last evaluated: 2025-04-09. Review status: criteria provided, single submitter. Criteria: ACMG Guidelines, 2015. Collection method: clinical testing. Allele origin: germline. Affected: no.

Blueprint Genetics
Classification: Likely benign. Last evaluated: 2024-10-23. Review status: criteria provided, single submitter. Criteria: ACMG Guidelines, 2015. Collection method: clinical testing. Allele origin: germline.

CeGaT Center for Human Genetics Tuebingen
Classification: Likely benign. Last evaluated: 2024-04-01. Review status: criteria provided, single submitter. Criteria: CeGaT Center For Human Genetics Tuebingen Variant Classification Criteria Version 2. Collection method: clinical testing. Allele origin: germline. Affected: yes. Observed: 3 variant alleles.
Comment: MYL3: BP4, BP7

All of Us Research Program, National Institutes of Health
Classification: Benign for Hypertrophic cardiomyopathy. Last evaluated: 2024-02-05. Review status: criteria provided, single submitter. Criteria: ACMG Guidelines, 2015. Collection method: clinical testing. Allele origin: germline. Inheritance: Autosomal dominant inheritance. Observed: 79 variant alleles, 78 heterozygotes, 1 homozygote.
Comment: This study involves interpretation of variants in research participants for the purpose of population health screening. Participant phenotype was not available at the time of variant classification. Additional details can be found in publication PMID: 35346344, PMCID: PMC8962531

Women's Health and Genetics/Laboratory Corporation of America, LabCorp
Classification: Benign. Last evaluated: 2018-11-19. Review status: criteria provided, single submitter. Criteria: LabCorp Variant Classification Summary - May 2015. Collection method: clinical testing. Allele origin: germline.
Comment: Variant summary: MYL3 c.81T>C alters a non-conserved nucleotide resulting in a synonymous change. 5/5 computational tools predict no significant impact on normal splicing. However, these predictions have yet to be confirmed by functional studies. The variant allele was found at a frequency of 0.00045 in 276222 control chromosomes, predominantly within the African subpopulation at a frequency of 0.0048 in the gnomAD database. The observed variant frequency within African control individuals in the gnomAD database is approximately 190 fold of the estimated maximal expected allele frequency for a pathogenic variant in MYL3 causing Cardiomyopathy phenotype (2.5e-05), strongly suggesting that the variant is a benign polymorphism found primarily in populations of African origin. To our knowledge, no occurrence of c.81T>C in individuals affected with Cardiomyopathy and no experimental evidence demonstrating its impact on protein function have been reported. Co-occurrences with other pathogenic variant(s) have been reported (TTR c.424G>A, p.Val142Ile), providing supporting evidence for a benign role. Three clinical diagnostic laboratories have submitted clinical-significance assessments for this variant to ClinVar after 2014 without evidence for independent evaluation, and all these laboratories classified the variant as benign (1x) / likely benign (2x). Based on the evidence outlined above, the variant was classified as benign.

Color Diagnostics, LLC DBA Color Health
Classification: Benign for Cardiomyopathy. Last evaluated: 2018-10-16. Review status: criteria provided, single submitter. Criteria: ACMG Guidelines, 2015. Collection method: clinical testing. Allele origin: germline.

Illumina Laboratory Services, Illumina
Classification: Uncertain significance for Hypertrophic cardiomyopathy 8. Last evaluated: 2018-01-13. Review status: criteria provided, single submitter. Criteria: ICSL Variant Classification Criteria 13 December 2019. Collection method: clinical testing. Allele origin: germline.

CHEO Genetics Diagnostic Laboratory, Children's Hospital of Eastern Ontario
Classification: Benign for Cardiomyopathy. Last evaluated: 2016-10-12. Review status: criteria provided, single submitter. Criteria: ACMG Guidelines, 2015. Collection method: clinical testing. Allele origin: germline. Study: Canadian Open Genetics Repository.

Ambry Genetics
Classification: Likely benign for Cardiovascular phenotype. Last evaluated: 2015-08-12. Review status: criteria provided, single submitter. Criteria: Ambry Variant Classification Scheme 2023. Collection method: clinical testing. Allele origin: germline.

Eurofins Ntd Llc (ga)
Classification: Likely benign. Last evaluated: 2015-08-12. Review status: criteria provided, single submitter. Criteria: EGL Classification Definitions 2015. Collection method: clinical testing. Allele origin: germline. Observed: 1 variant allele, 1 heterozygote.

GeneDx
Classification: Benign. Last evaluated: 2015-03-03. Review status: criteria provided, single submitter. Criteria: GeneDx Variant Classification Process June 2021. Collection method: clinical testing. Allele origin: germline. Affected: yes.

Laboratory for Molecular Medicine, Mass General Brigham Personalized Medicine
Classification: Benign. Last evaluated: 2012-07-06. Review status: criteria provided, single submitter. Criteria: LMM Criteria. Collection method: clinical testing. Allele origin: germline. Observed: 4 variant alleles.
Comment: Pro27Pro in Exon 01 of MYL3: This variant is not expected to have clinical signi ficance because it does not alter an amino acid residue, is not located within t he splice consensus sequence and has been identified in 0.3% (13/3738) of Africa n American chromosomes from a broad population by the NHLBI Exome Sequencing Pro ject (dbSNP rs147584015).

Clinical Genetics DNA and cytogenetics Diagnostics Lab, Erasmus MC, Erasmus Medical Center
Classification: Likely benign. Review status: no assertion criteria provided. Collection method: clinical testing. Allele origin: germline. Affected: yes. Study: VKGL Data-share Consensus. Not counted in ClinVar's aggregate classification.

Clinical Genetics, Academic Medical Center
Classification: Benign. Review status: no assertion criteria provided. Collection method: clinical testing. Allele origin: germline. Affected: yes. Study: VKGL Data-share Consensus. Not counted in ClinVar's aggregate classification.

Joint Genome Diagnostic Labs from Nijmegen and Maastricht, Radboudumc and MUMC+
Classification: Likely benign. Review status: no assertion criteria provided. Collection method: clinical testing. Allele origin: germline. Affected: yes. Study: VKGL Data-share Consensus. Not counted in ClinVar's aggregate classification.